The following is an entry in ClinVar:

ClinVar aggregate classification (germline): Uncertain significance (1 of 4 stars; one submission).

gnomAD v4.1: 9 of 1,560,108 alleles (0.00058%); highest among the groups gnomAD compares: African/African-American, 0.0041%; no homozygotes.

Submission:

Labcorp Genetics (formerly Invitae), Labcorp
Classification: Uncertain significance. Last evaluated: 2025-05-21. Review status: criteria provided, single submitter. Criteria: Invitae Variant Classification Sherloc (09022015). Collection method: clinical testing. Allele origin: germline.
Comment: This sequence change replaces arginine, which is basic and polar, with histidine, which is basic and polar, at codon 356 of the RIMS1 protein (p.Arg356His). This variant is present in population databases (no rsID available, gnomAD 0.01%). This variant has not been reported in the literature in individuals affected with RIMS1-related conditions. An algorithm developed to predict the effect of missense changes on protein structure and function (PolyPhen-2) suggests that this variant is likely to be disruptive. In summary, the available evidence is currently insufficient to determine the role of this variant in disease. Therefore, it has been classified as a Variant of Uncertain Significance.

NM_014989.7(RIMS1):c.1067G>A (p.Arg356His)

Gene: RIMS1 (regulating synaptic membrane exocytosis 1; plus strand). Cytogenetic location: 6q13.
Variant type: single nucleotide variant.
Coding change: c.1067G>A on transcript NM_014989.7 (MANE Select); coding-DNA position 1067, G replaced by A.
Protein change: p.Arg356His; replaces arginine 356 with histidine.
Molecular consequence: missense variant.
Genome position (GRCh38, 1-based): chr6:72,182,538, G>A. VCF-style: chr6-72182538-G-A. GRCh37 (hg19) VCF-style: chr6-72892241-G-A.
Other names: short protein forms R356H.
Identifiers: ClinVar variation 4700639 (VCV004700639.1).